The following is an entry in ClinVar:

NM_020987.5(ANK3):c.315+5G>T

Gene: ANK3 (ankyrin 3; minus strand). Cytogenetic location: 10q21.2.
Variant type: single nucleotide variant.
Coding change: c.315+5G>T on transcript NM_020987.5 (MANE Select); 5 bases into the intron after coding-DNA position 315, G replaced by T.
Molecular consequence: intron variant.
Genome position (GRCh38, 1-based): chr10:60,279,045, C>A on the plus strand (G>T on the coding strand, the complement: ANK3 is on the minus strand). VCF-style: chr10-60279045-C-A. GRCh37 (hg19) VCF-style: chr10-62038803-C-A.
Other names: c.297+5G>T (NM_001204403.2); c.264+5G>T (NM_001204404.2); c.315+5G>T (NM_001320874.2).
Identifiers: ClinVar variation 4689910 (VCV004689910.1).
Genomic context (GRCh38, chr10:60,279,045, plus strand): 5'-CTGAGGGCTGAATCCTCACAGAACATGGCGAGTGGTTCAAAAAGCATTAAATATGTGATA[C>A]TGACCTTTGTAGCTGCATCCACATTGGCTTCTCTCTGCAGCAGCTCAGAAACAACCTCTA-3'

ClinVar aggregate classification (germline): Uncertain significance (1 of 4 stars; one submission).

Submission:

GeneDx
Classification: Uncertain significance. Last evaluated: 2025-08-01. Review status: criteria provided, single submitter. Criteria: GeneDx Variant Classification Process June 2021. Collection method: clinical testing. Allele origin: germline. Affected: yes.
Comment: In silico analysis suggests that this variant does not alter splicing; Has not been previously published as pathogenic or benign to our knowledge